The following is an entry in ClinVar:

NM_206933.4(USH2A):c.2193del (p.Phe731fs)

Gene: USH2A (usherin; minus strand). Cytogenetic location: 1q41.
Variant type: Deletion.
Coding change: c.2193del on transcript NM_206933.4 (MANE Select); coding-DNA position 2193, one base deleted (T; older notation c.2193delT).
Protein change: p.Phe731fs; shifts the reading frame from phenylalanine 731.
Molecular consequence: frameshift variant.
Genome position (GRCh38, 1-based): chr1:216,247,201, A deleted on the plus strand (T on the coding strand, the reverse complement: USH2A is on the minus strand); the first of 4 consecutive A bases (chr1:216,247,201-216,247,204); deleting any one gives the same sequence. VCF-style (leftmost placement, unchanged base first): chr1-216247200-CA-C. GRCh37 (hg19) VCF-style: chr1-216420542-CA-C.
Other names: c.2193del, p.Phe731fs (NM_007123.6); short protein forms F731fs.
Identifiers: ClinVar variation 5015939 (VCV005015939.1).

ClinVar aggregate classification (germline): Pathogenic (1 of 4 stars; one submission).

Conditions:
USH2A-related disorder. Also called: USH2A-related condition; USH2A-related disorders. Identifiers: MedGen CN239332.

Submission:

Myriad Genetics, Inc.
Classification: Pathogenic for USH2A-related disorder. Last evaluated: 2026-05-21. Review status: criteria provided, single submitter. Criteria: Myriad Autosomal Dominant, Autosomal Recessive and X-Linked Classification Criteria (2023). Collection method: clinical testing. Allele origin: unknown.
Comment: NM_206933.2(USH2A):c.2193delT(F731Lfs*25) is expected to be pathogenic in the context of USH2A-related disorders. This variant is predicted to lead to an abnormal or absent protein product due to the creation of a premature termination codon in USH2A, a gene where loss-of-function variants are known to be pathogenic. Please note: this variant was assessed in the context of healthy population screening.